The following is an entry in ClinVar:

ClinVar aggregate classification (germline): Uncertain significance (1 of 4 stars; one submission).

Allele frequency attached by ClinVar (database versions not stated): ExAC 0.00001; gnomAD 0.00001; gnomAD exomes 0.00001.
gnomAD v4.1: 11 of 1,613,962 alleles (0.00068%); highest among the groups gnomAD compares: South Asian, 0.0011%; no homozygotes.

Submission:

Labcorp Genetics (formerly Invitae), Labcorp
Classification: Uncertain significance. Last evaluated: 2021-10-05. Review status: criteria provided, single submitter. Criteria: Invitae Variant Classification Sherloc (09022015). Collection method: clinical testing. Allele origin: germline.
Comment: This sequence change replaces tyrosine with cysteine at codon 741 of the LAMC3 protein (p.Tyr741Cys). The tyrosine residue is highly conserved and there is a large physicochemical difference between tyrosine and cysteine. This variant is present in population databases (rs750491187, ExAC 0.006%). This variant has not been reported in the literature in individuals affected with LAMC3-related conditions. Algorithms developed to predict the effect of missense changes on protein structure and function (SIFT, PolyPhen-2, Align-GVGD) all suggest that this variant is likely to be disruptive. In summary, the available evidence is currently insufficient to determine the role of this variant in disease. Therefore, it has been classified as a Variant of Uncertain Significance.

NM_006059.4(LAMC3):c.2222A>G (p.Tyr741Cys)

Gene: LAMC3 (laminin subunit gamma 3; plus strand). Cytogenetic location: 9q34.12.
Variant type: single nucleotide variant.
Coding change: c.2222A>G on transcript NM_006059.4 (MANE Select); coding-DNA position 2222, A replaced by G.
Protein change: p.Tyr741Cys; replaces tyrosine 741 with cysteine.
Molecular consequence: missense variant.
Genome position (GRCh38, 1-based): chr9:131,061,098, A>G. VCF-style: chr9-131061098-A-G. GRCh37 (hg19) VCF-style: chr9-133936485-A-G.
Other names: short protein forms Y741C.
Identifiers: ClinVar variation 1438320 (VCV001438320.3), dbSNP rs750491187, ClinGen allele CA5287356.